The following is an entry in ClinVar:

NM_000160.5(GCGR):c.1102G>A (p.Val368Met)

Gene: GCGR (glucagon receptor; plus strand). Cytogenetic location: 17q25.3.
Variant type: single nucleotide variant.
Coding change: c.1102G>A on transcript NM_000160.5 (MANE Select); coding-DNA position 1102, G replaced by A.
Protein change: p.Val368Met; replaces valine 368 with methionine.
Molecular consequence: missense variant.
Genome position (GRCh38, 1-based): chr17:81,812,871, G>A. VCF-style: chr17-81812871-G-A. GRCh37 (hg19) VCF-style: chr17-79770747-G-A.
Other names: short protein forms V368M.
Identifiers: ClinVar variation 1064872 (VCV001064872.4), dbSNP rs771824180, ClinGen allele CA8842187.

ClinVar aggregate classification (germline): Uncertain significance (1 of 4 stars; one submission).

Allele frequency attached by ClinVar (database versions not stated): TOPMed 0.00004; gnomAD 0.00005; gnomAD exomes 0.00007 and 0.00010; ExAC 0.00018.
gnomAD v4.1: 139 of 1,535,962 alleles (0.009%); highest among the groups gnomAD compares: South Asian, 0.015%; 1 homozygote.

Submission:

Labcorp Genetics (formerly Invitae), Labcorp
Classification: Uncertain significance. Last evaluated: 2024-01-25. Review status: criteria provided, single submitter. Criteria: Invitae Variant Classification Sherloc (09022015). Collection method: clinical testing. Allele origin: germline.
Comment: This sequence change replaces valine, which is neutral and non-polar, with methionine, which is neutral and non-polar, at codon 368 of the GCGR protein (p.Val368Met). This variant is present in population databases (rs771824180, gnomAD 0.03%). This variant has not been reported in the literature in individuals affected with GCGR-related conditions. An algorithm developed to predict the effect of missense changes on protein structure and function (PolyPhen-2) suggests that this variant is likely to be disruptive. Experimental studies have shown that this missense change affects GCGR function (PMID: 32677665). In summary, the available evidence is currently insufficient to determine the role of this variant in disease. Therefore, it has been classified as a Variant of Uncertain Significance.

Literature cited by the submitters: PubMed 32677665.